The following is an entry in ClinVar:

NM_001844.5(COL2A1):c.1023+2T>A

Gene: COL2A1 (collagen type II alpha 1 chain; minus strand). Cytogenetic location: 12q13.11.
Variant type: single nucleotide variant.
Coding change: c.1023+2T>A on transcript NM_001844.5 (MANE Select); the canonical splice donor site of the intron after coding-DNA position 1023, T replaced by A.
Molecular consequence: splice donor variant.
Genome position (GRCh38, 1-based): chr12:47,992,876, A>T on the plus strand (T>A on the coding strand, the complement: COL2A1 is on the minus strand). VCF-style: chr12-47992876-A-T. GRCh37 (hg19) VCF-style: chr12-48386659-A-T.
Other names: c.816+2T>A (NM_033150.3).
Identifiers: ClinVar variation 1299501 (VCV001299501.1), dbSNP rs2136604599, ClinGen allele CA384555595.

ClinVar aggregate classification (germline): Pathogenic (1 of 4 stars; one submission).

Conditions:
Spondyloperipheral dysplasia. Also called: SPONDYLOPERIPHERAL DYSPLASIA WITH SHORT ULNA; Spondyloperipheral dysplasia-short ulna syndrome. Identifiers: Orphanet 1856, MedGen C0796173, MONDO:0010078, OMIM 271700.

Submission:

Laboratory of Medical Genetics, National & Kapodistrian University of Athens
Classification: Pathogenic for Spondyloperipheral dysplasia. Last evaluated: 2021-10-01. Review status: criteria provided, single submitter. Criteria: ACMG Guidelines, 2015. Collection method: clinical testing. Allele origin: unknown. Affected: yes.
Comment: PVS1, PM2, PP3

Literature cited by the submitters: PubMed 34008892.